The following is an entry in ClinVar:

NM_004588.5(SCN2B):c.644A>T (p.Lys215Met)

Gene: SCN2B (sodium voltage-gated channel beta subunit 2; minus strand). Cytogenetic location: 11q23.3.
Variant type: single nucleotide variant.
Coding change: c.644A>T on transcript NM_004588.5 (MANE Select); coding-DNA position 644, A replaced by T.
Protein change: p.Lys215Met; replaces lysine 215 with methionine.
Molecular consequence: missense variant.
Genome position (GRCh38, 1-based): chr11:118,166,891, T>A on the plus strand (A>T on the coding strand, the complement: SCN2B is on the minus strand). VCF-style: chr11-118166891-T-A. GRCh37 (hg19) VCF-style: chr11-118037606-T-A.
Other names: short protein forms K215M.
Identifiers: ClinVar variation 1753587 (VCV001753587.3), dbSNP rs1052467646, ClinGen allele CA229505484.

ClinVar aggregate classification (germline): Uncertain significance. Review status: criteria provided, multiple submitters, no conflicts (2 of 4 stars). 2 submissions from 2 submitters: Uncertain significance (2). Last evaluated 2025-05-27.

Conditions:
Atrial fibrillation, familial, 14 (ATFB14). Identifiers: MedGen C3809312, MONDO:0014156, OMIM 615378.
Cardiovascular phenotype. Identifiers: MedGen CN230736.

Allele frequency attached by ClinVar (database versions not stated): TOPMed below 0.00001; gnomAD 0.00001; gnomAD exomes 0.00001.
gnomAD v4.1: 15 of 1,613,844 alleles (0.00093%); highest among the groups gnomAD compares: Middle Eastern, 0.049%; no homozygotes.

Submissions (2):

Labcorp Genetics (formerly Invitae), Labcorp
Classification: Uncertain significance for Atrial fibrillation, familial, 14. Last evaluated: 2025-05-27. Review status: criteria provided, single submitter. Criteria: Invitae Variant Classification Sherloc (09022015). Collection method: clinical testing. Allele origin: germline.
Comment: This sequence change replaces lysine, which is basic and polar, with methionine, which is neutral and non-polar, at codon 215 of the SCN2B protein (p.Lys215Met). This variant is present in population databases (no rsID available, gnomAD 0.003%). This variant has not been reported in the literature in individuals affected with SCN2B-related conditions. ClinVar contains an entry for this variant (Variation ID: 1753587). An algorithm developed to predict the effect of missense changes on protein structure and function (PolyPhen-2) suggests that this variant is likely to be disruptive. In summary, the available evidence is currently insufficient to determine the role of this variant in disease. Therefore, it has been classified as a Variant of Uncertain Significance.

Ambry Genetics
Classification: Uncertain significance for Cardiovascular phenotype. Last evaluated: 2023-12-28. Review status: criteria provided, single submitter. Criteria: Ambry Variant Classification Scheme 2023. Collection method: clinical testing. Allele origin: germline.